The following is an entry in ClinVar:

ClinVar aggregate classification (germline): Uncertain significance (1 of 4 stars; one submission).

Allele frequency attached by ClinVar (database versions not stated): ExAC 0.00001; TOPMed 0.00002; gnomAD exomes 0.00003.
gnomAD v4.1: 7 of 1,613,992 alleles (0.00043%); highest among the groups gnomAD compares: East Asian, 0.016%; no homozygotes.

Submission:

GeneDx
Classification: Uncertain significance. Last evaluated: 2014-03-26. Review status: criteria provided, single submitter. Criteria: GeneDx Variant Classification (06012015). Collection method: clinical testing. Allele origin: germline. Affected: yes.
Comment: p.Gly445Asp (GGT>GAT): c.1334 G>A in exon 13 of the CACNB2 gene (NM_000724.3). A variant of unknown significance has been identified in the CACNB2 gene. To our knowledge, the G445D variant has not been published as a mutation or as a benign polymorphism. The G445D variant was not observed in approximately 6,500 individuals of European and African American ancestry in the NHLBI Exome Sequencing Project, indicating it is not a common benign variant in these populations. The G445D variant is a non-conservative amino acid substitution, which is likely to impact secondary protein structure as these residues differ in polarity, charge, size and/or other properties. This substitution occurs at a position that is conserved across species. However, in silico analysis is inconsistent in its predictions as to whether or not the variant is damaging to the protein structure/function. For this transcript, no nearby missense mutations have been reported in association with arrhythmia.Therefore, based on the currently available information, it is unclear whether this variant is a pathogenic mutation or a rare benign variant. The variant is found in ARRHYTHMIA panel(s).

NM_201596.3(CACNB2):c.1499G>A (p.Gly500Asp)

Gene: CACNB2 (calcium voltage-gated channel auxiliary subunit beta 2; plus strand). Cytogenetic location: 10p12.31.
Variant type: single nucleotide variant.
Coding change: c.1499G>A on transcript NM_201596.3 (MANE Select); coding-DNA position 1499, G replaced by A.
Protein change: p.Gly500Asp; replaces glycine 500 with aspartic acid.
Molecular consequence: missense variant.
Genome position (GRCh38, 1-based): chr10:18,539,240, G>A. VCF-style: chr10-18539240-G-A. GRCh37 (hg19) VCF-style: chr10-18828169-G-A.
Other names: p.G445D:GGT>GAT; c.1334G>A, p.Gly445Asp (NM_000724.4); c.1301G>A, p.Gly434Asp (NM_001167945.2); c.1220G>A, p.Gly407Asp (NM_001330060.2); c.1355G>A, p.Gly452Asp (NM_201570.3); c.1415G>A, p.Gly472Asp (NM_201571.4); c.1343G>A, p.Gly448Asp (NM_201572.4); c.1337G>A, p.Gly446Asp (NM_201590.3); and 2 more; short protein forms G445D, G446D, G500D, G476D, G407D, G452D, G472D, G434D.
Identifiers: ClinVar variation 190726 (VCV000190726.2), dbSNP rs758466725, ClinGen allele CA301846.